The following is an entry in ClinVar:

ClinVar aggregate classification (germline): Uncertain significance (1 of 4 stars; one submission).

Conditions:
Hawkinsinuria. Identifiers: Orphanet 2118, MedGen C2931042, MONDO:0007700, OMIM 140350, HP:0034457.
Tyrosinemia type III. Also called: Tyrosinemia type 3; 4-alpha hydroxyphenylpyruvic acid oxidase deficiency; 4-alpha hydroxyphenylpyruvate dioxygenase deficiency; 4-Hydroxyphenylpyruvate dioxygenase deficiency; 4-HYDROXYPHENYLPYRUVIC ACID OXIDASE DEFICIENCY. Identifiers: Orphanet 69723, MedGen C0268623, MONDO:0010162, OMIM 276710.

Submission:

Labcorp Genetics (formerly Invitae), Labcorp
Classification: Uncertain significance for Tyrosinemia type III; Hawkinsinuria. Last evaluated: 2025-02-24. Review status: criteria provided, single submitter. Criteria: Invitae Variant Classification Sherloc (09022015). Collection method: clinical testing. Allele origin: germline.
Comment: This sequence change falls in intron 7 of the HPD gene. It does not directly change the encoded amino acid sequence of the HPD protein. This variant is not present in population databases (gnomAD no frequency). This variant has not been reported in the literature in individuals affected with HPD-related conditions. ClinVar contains an entry for this variant (Variation ID: 2120291). Algorithms developed to predict the effect of sequence changes on RNA splicing suggest that this variant may disrupt the consensus splice site. In summary, the available evidence is currently insufficient to determine the role of this variant in disease. Therefore, it has been classified as a Variant of Uncertain Significance.

NM_002150.3(HPD):c.415-5C>G

Genes: HPD (4-hydroxyphenylpyruvate dioxygenase; minus strand), TIALD (transcript inducer of AURKA lysosomal degradation; plus strand). Cytogenetic location: 12q24.31.
Variant type: single nucleotide variant.
Coding change: c.415-5C>G on transcript NM_002150.3 (MANE Select); 5 bases into the intron before coding-DNA position 415, C replaced by G.
Molecular consequence: intron variant.
Genome position (GRCh38, 1-based): chr12:121,849,795, G>C on the plus strand (C>G on the coding strand, the complement: HPD is on the minus strand). VCF-style: chr12-121849795-G-C. GRCh37 (hg19) VCF-style: chr12-122287701-G-C.
Other names: c.298-5C>G (NM_001171993.2).
Identifiers: ClinVar variation 2120291 (VCV002120291.4), dbSNP rs759520804, ClinGen allele CA2580085922.